The following is an entry in ClinVar:

ClinVar aggregate classification (germline): Uncertain significance. Review status: criteria provided, multiple submitters, no conflicts (2 of 4 stars). 3 submissions from 3 submitters: Uncertain significance (3). Last evaluated 2025-01-18.

Conditions:
Inborn genetic diseases. Identifiers: MedGen C0950123, MeSH D030342.
Congenital myasthenic syndrome 4A. Also called: Myasthenic syndrome, congenital, 4a, slow-channel; CONGENITAL MYASTHENIC SYNDROME TYPE Ia1; MYASTHENIC SYNDROME, CONGENITAL, 4A, SLOW-CHANNEL, AUTOSOMAL RECESSIVE. Identifiers: Orphanet 590, MedGen C4225413, MONDO:0011600, OMIM 605809.

Allele frequency attached by ClinVar (database versions not stated): gnomAD exomes below 0.00001; ExAC 0.00002; gnomAD 0.00002; TOPMed 0.00002.
gnomAD v4.1: 8 of 1,614,002 alleles (0.0005%); highest among the groups gnomAD compares: African/African-American, 0.0013%; no homozygotes.

Submissions (3):

Labcorp Genetics (formerly Invitae), Labcorp
Classification: Uncertain significance for Congenital myasthenic syndrome 4A. Last evaluated: 2025-01-18. Review status: criteria provided, single submitter. Criteria: Invitae Variant Classification Sherloc (09022015). Collection method: clinical testing. Allele origin: germline.
Comment: This sequence change replaces serine, which is neutral and polar, with asparagine, which is neutral and polar, at codon 52 of the CHRNE protein (p.Ser52Asn). This variant is present in population databases (rs759127314, gnomAD 0.007%). This variant has not been reported in the literature in individuals affected with CHRNE-related conditions. ClinVar contains an entry for this variant (Variation ID: 2415991). Invitae Evidence Modeling of protein sequence and biophysical properties (such as structural, functional, and spatial information, amino acid conservation, physicochemical variation, residue mobility, and thermodynamic stability) indicates that this missense variant is not expected to disrupt CHRNE protein function with a negative predictive value of 95%. In summary, the available evidence is currently insufficient to determine the role of this variant in disease. Therefore, it has been classified as a Variant of Uncertain Significance.

Ambry Genetics
Classification: Uncertain significance for Inborn genetic diseases. Last evaluated: 2024-09-20. Review status: criteria provided, single submitter. Criteria: Ambry Variant Classification Scheme 2023. Collection method: clinical testing. Allele origin: germline.

Revvity Omics, Revvity
Classification: Uncertain significance. Last evaluated: 2019-11-08. Review status: criteria provided, single submitter. Criteria: ACMG Guidelines, 2015. Collection method: clinical testing. Allele origin: germline.

NM_000080.4(CHRNE):c.155G>A (p.Ser52Asn)

Genes: CHRNE (cholinergic receptor nicotinic epsilon subunit; minus strand), C17orf107 (chromosome 17 open reading frame 107; plus strand). Cytogenetic location: 17p13.2.
Variant type: single nucleotide variant.
Coding change: c.155G>A on transcript NM_000080.4 (MANE Select); coding-DNA position 155, G replaced by A.
Protein change: p.Ser52Asn; replaces serine 52 with asparagine.
Molecular consequence: missense variant. On other transcripts: 3 prime UTR variant (1).
Genome position (GRCh38, 1-based): chr17:4,902,655, C>T on the plus strand (G>A on the coding strand, the complement: CHRNE is on the minus strand). VCF-style: chr17-4902655-C-T. GRCh37 (hg19) VCF-style: chr17-4805950-C-T.
Other names: c.*2122C>T (NM_001145536.2); short protein forms S52N.
Identifiers: ClinVar variation 2415991 (VCV002415991.9), dbSNP rs759127314, ClinGen allele CA8314596.
Genomic context (GRCh38, chr17:4,902,655, plus strand): 5'-TTAAGATGAGGGTGGGGGTAGCTTACCAGTGAGATGAGATTCGTCAGGGTGACCTTGAGG[C>T]TGATGGTGACAGTATCCTCAGGCTCCCGCACTGGCCGGCTTCCTGGGTCATAGTTGTTGA-3'
Protein context (NP_000071.1, residues 42-62): VREPEDTVTI[Ser52Asn]LKVTLTNLIS